The following is an entry in ClinVar:

NM_014712.3(SETD1A):c.2121dup (p.Gly708fs)

Gene: SETD1A (SET domain containing 1A, histone lysine methyltransferase; plus strand). Cytogenetic location: 16p11.2.
Variant type: Duplication.
Coding change: c.2121dup on transcript NM_014712.3 (MANE Select); coding-DNA position 2121, one base duplicated (C; older notation c.2121dupC).
Protein change: p.Gly708fs; shifts the reading frame from glycine 708.
Molecular consequence: frameshift variant.
Genome position (GRCh38, 1-based): chr16:30,966,002, C duplicated; the last of 7 consecutive C bases (chr16:30,965,996-30,966,002); duplicating any one gives the same sequence. VCF-style (leftmost placement, unchanged base first): chr16-30965995-G-GC. GRCh37 (hg19) VCF-style: chr16-30977316-G-GC.
Other names: c.2121dup (NM_014712.1); short protein forms G708fs.
Identifiers: ClinVar variation 3062113 (VCV003062113.4), dbSNP rs754369980, ClinGen allele CA8016843.
Genomic context (GRCh38, chr16:30,965,995, plus strand): 5'-AGATGTTAACTCGGCTCCATCAGCTGCGGCAGGGCAAGGGATTGATTGCCGCCTCAGCTG[G>GC]CCCCCCCGGTGGGGCCTTTGGGGAGGCCTTCCTCCCGTTTCCACCCCCGCAGGAGGCAGC-3'

ClinVar aggregate classification (germline): Conflicting classifications of pathogenicity. Review status: criteria provided, conflicting classifications (1 of 4 stars). 3 submissions from 3 submitters: Pathogenic (1); Likely pathogenic (1); Uncertain significance (1). Last evaluated 2026-04-02.

Conditions:
SETD1A-related disorder. Also called: SETD1A-related condition.
Neurodevelopmental disorder with speech impairment and dysmorphic facies. Identifiers: MedGen C5436699, MONDO:0033630, OMIM 619056.

Submissions (3):

GeneDx
Classification: Uncertain significance. Last evaluated: 2026-04-02. Review status: criteria provided, single submitter. Criteria: GeneDx Variant Classification Process June 2021. Collection method: clinical testing. Allele origin: germline.
Comment: Reported previously in a patient with delayed speech and language development, overgrowth, renal duplication, and facial dysmorphism; the variant was maternally inherited, however clinical information on the mother was not provided (PMID: 26974950); Frameshift variant predicted to result in protein truncation or nonsense mediated decay in a gene for which loss of function is a known mechanism of disease; This variant is associated with the following publications: (PMID: 26974950, 38958063)

Blueprint Genetics
Classification: Likely pathogenic for SETD1A-related disorders. Last evaluated: 2024-05-24. Review status: criteria provided, single submitter. Criteria: ACMG Guidelines, 2015. Collection method: clinical testing. Allele origin: de novo. Affected: yes. Observed: 1 variant allele.

Illumina Laboratory Services, Illumina
Classification: Pathogenic for Neurodevelopmental disorder with speech impairment and dysmorphic facies. Last evaluated: 2021-08-31. Review status: criteria provided, single submitter. Criteria: ICSLVariantClassificationCriteria RUGD 01 April 2020. Collection method: clinical testing. Allele origin: unknown.
Comment: The SETD1A c.2121dupC p.(Gly708ArgfsTer117) variant causes a shift in the protein reading frame that is predicted to result in premature termination of the protein. Loss of normal protein function through either protein truncation or nonsense-mediated mRNA decay is expected. The variant has been identified in an individual with a phenotype consistent with neurodevelopmental disorder with speech impairment and dysmorphic facies (Singh et al. 2016). The variant was also identified in the parent of this individual, though the affected status and phenotype of the parent are not provided. This variant is not reported in version 2.1.1 or version 3.1.1 of the Genome Aggregation Database. Based on the available evidence, the c.2121dupC p.(Gly708ArgfsTer117) variant is classified as pathogenic for neurodevelopmental disorder with speech impairment and dysmorphic facies.